The following is an entry in ClinVar:

ClinVar aggregate classification (germline): Pathogenic. Review status: criteria provided, multiple submitters, no conflicts (2 of 4 stars). 4 submissions from 4 submitters: Pathogenic (3). 1 of the submissions does not count toward it. Last evaluated 2025-06-05.

Conditions:
Paragangliomas with sensorineural hearing loss. Identifiers: MedGen C1868633.
Pheochromocytoma. Also called: MAX-Related Hereditary Paraganglioma-Pheochromocytoma Syndrome. Identifiers: Orphanet 29072, MedGen C0031511, MONDO:0008233, OMIM 171300, HP:0002666.
Cowden syndrome 3 (CWS3). Identifiers: Orphanet 201, MedGen CN166604, MONDO:0014045.
Carney-Stratakis syndrome. Also called: PARAGANGLIOMA AND GASTROINTESTINAL STROMAL TUMOR. Identifiers: Orphanet 97286, MedGen C1847319, MONDO:0011740, OMIM 606864.
Hereditary cancer-predisposing syndrome. Also called: Neoplastic Syndromes, Hereditary; Hereditary neoplastic syndrome; Tumor predisposition; Hereditary Cancer Syndrome. Identifiers: Orphanet 140162, MedGen C0027672, MeSH D009386, MONDO:0015356.
Hereditary pheochromocytoma and paraganglioma. Also called: Hereditary Paraganglioma-Pheochromocytoma Syndromes; Hereditary paragangliomas and pheochromocytomas; Hereditary pheochromocytoma-paraganglioma. Identifiers: Orphanet 29072, MedGen C4274332, MONDO:0017366.

Allele frequency attached by ClinVar (database versions not stated): gnomAD exomes below 0.00001.

Submissions (4):

Ambry Genetics
Classification: Pathogenic for Hereditary cancer-predisposing syndrome. Last evaluated: 2025-06-05. Review status: criteria provided, single submitter. Criteria: Ambry Variant Classification Scheme 2023. Collection method: clinical testing. Allele origin: germline.
Comment: The c.170-1G>T intronic pathogenic mutation results from a G to T substitution one nucleotide upstream from coding exon 3 of the SDHD gene. This alteration has been identified in numerous patients from multiple ethnic groups with unilateral or bilateral carotid body tumors, both with and without a family history of pheochromocytomas and/or paragangliomas (Dannenberg H et al. Clin. Cancer Res. 2002 Jul;8:2061-6; Persu A et al. J. Hypertens. 2008 Jul;26:1395-401; Renard L et al. Head Neck. 2003 Feb;25:146-51; Zuo Y et al. Urology. 2018 06;116:63-67; Santi R et al. Anticancer Res. 2017 02;37:805-812; Piccini V et al. Endocr. Relat. Cancer. 2012 Apr;19:149-55; Burnichon N et al. J. Clin. Endocrinol. Metab. 2009 Aug;94:2817-27; Astrom K et al. Hum. Genet. 2003 Aug;113:228-37; Benn DE et al. J. Clin. Endocrinol. Metab. 2006 Mar;91:827-36). This alteration was also identified in a patient with a glomus tumor (Mannelli M et al. Ann. N. Y. Acad. Sci. 2006 Aug;1073:183-9), a patient with bilateral carotid body tumors and a primary mediastinal paraganglioma (Ghayee HK et al. Endocr. Relat. Cancer. 2009 Mar;16:291-9;), and patients with cervical paragangliomas (Bauters C et al. J. Med. Genet. 2003 Jun;40:e75). Of note, this alteration is also designated as IVS2-1G>T in the published literature. This variant is considered to be rare based on population cohorts in the Genome Aggregation Database (gnomAD). This nucleotide position is highly conserved in available vertebrate species. In silico splice site analysis predicts that this alteration will weaken the native splice acceptor site and may result in the creation or strengthening of a novel splice acceptor site. In addition to the clinical data presented in the literature, alterations that disrupt the canonical splice site are expected to cause aberrant splicing, resulting in an abnormal protein or a transcript that is subject to nonsense-mediated mRNA decay. As such, this alteration is classified as a disease-causing mutation.

Labcorp Genetics (formerly Invitae), Labcorp
Classification: Pathogenic for Carney-Stratakis syndrome; Paragangliomas with sensorineural hearing loss; Pheochromocytoma; Cowden syndrome 3. Last evaluated: 2024-01-11. Review status: criteria provided, single submitter. Criteria: Invitae Variant Classification Sherloc (09022015). Collection method: clinical testing. Allele origin: germline.
Comment: This sequence change affects an acceptor splice site in intron 2 of the SDHD gene. It is expected to disrupt RNA splicing. Variants that disrupt the donor or acceptor splice site typically lead to a loss of protein function (PMID: 16199547), and loss-of-function variants in SDHD are known to be pathogenic (PMID: 19454582, 19802898). This variant is present in population databases (no rsID available, gnomAD 0.0009%). Disruption of this splice site has been observed in individual(s) with SDHD-related conditions (PMID: 12114404, 12509798, 18551016, 19075037, 22566194, 29545045, 30050099, 30877234). It has also been observed to segregate with disease in related individuals. ClinVar contains an entry for this variant (Variation ID: 438434). Algorithms developed to predict the effect of sequence changes on RNA splicing suggest that this variant may disrupt the consensus splice site. For these reasons, this variant has been classified as Pathogenic.

All of Us Research Program, National Institutes of Health
Classification: Pathogenic for Hereditary pheochromocytoma and paraganglioma. Last evaluated: 2023-06-20. Review status: criteria provided, single submitter. Criteria: ACMG Guidelines, 2015. Collection method: clinical testing. Allele origin: germline. Inheritance: Autosomal dominant inheritance. Observed: 1 variant allele, 1 heterozygote.
Comment: This variant disrupts a canonical splice site and is predicted to result in abnormal splicing. Aberrant splicing and/or loss of function is an established mechanism of disease. This prediction has been confirmed by functional studies (PMID: 12509798, 29545045). This variant has been reported in multiple individuals with paragangliomas (PMID: 12509798, 18551016, 12114404, 19075037, 22566194, 29545045, 30877234, 32472550). This variant is present in 1/251124 total alleles in the Genome Aggregation Database. This variant has been reported to co-segregate with disease in more than one family (PMID: 12509798, 18551016, 32472550).

This study involves interpretation of variants in research participants for the purpose of population health screening. Participant phenotype was not available at the time of variant classification. Additional details can be found in publication PMID: 35346344, PMCID: PMC8962531

Section on Medical Neuroendocrinolgy, National Institutes of Health
Classification: Pathogenic for Hereditary pheochromocytoma and paraganglioma. Review status: no assertion criteria provided. Collection method: research. Allele origin: germline. Affected: yes. Not counted in ClinVar's aggregate classification.

Literature cited by the submitters: PubMed 12114404 (cited by 3 submitters); PubMed 12509798 (cited by 3 submitters); PubMed 12807974 (cited by Ambry Genetics); PubMed 12811540 (cited by Ambry Genetics); PubMed 16317055 (cited by Ambry Genetics); PubMed 17102085 (cited by Ambry Genetics); PubMed 18551016 (cited by 3 submitters); PubMed 19075037 (cited by 3 submitters); PubMed 19454582 (cited by Ambry Genetics and Labcorp Genetics (formerly Invitae), Labcorp); PubMed 22241717 (cited by Ambry Genetics); PubMed 28179334 (cited by Ambry Genetics); PubMed 29545045 (cited by 3 submitters); PubMed 16199547 (cited by Labcorp Genetics (formerly Invitae), Labcorp); PubMed 19802898 (cited by Labcorp Genetics (formerly Invitae), Labcorp); PubMed 22566194 (cited by Labcorp Genetics (formerly Invitae), Labcorp and All of Us Research Program, National Institutes of Health); PubMed 30050099 (cited by Labcorp Genetics (formerly Invitae), Labcorp); PubMed 30877234 (cited by Labcorp Genetics (formerly Invitae), Labcorp and All of Us Research Program, National Institutes of Health); PubMed 32472550 (cited by All of Us Research Program, National Institutes of Health).

NM_003002.4(SDHD):c.170-1G>T

Gene: SDHD (succinate dehydrogenase complex subunit D; plus strand). Cytogenetic location: 11q23.1.
Variant type: single nucleotide variant.
Coding change: c.170-1G>T on transcript NM_003002.4 (MANE Select); the canonical splice acceptor site of the intron before coding-DNA position 170, G replaced by T.
Molecular consequence: splice acceptor variant. On other transcripts: intron variant (1).
Genome position (GRCh38, 1-based): chr11:112,088,866, G>T. VCF-style: chr11-112088866-G-T. GRCh37 (hg19) VCF-style: chr11-111959590-G-T.
Other names: c.170-1G>T (NM_001276506.2); c.169+893G>T (NM_001276503.2); c.53-1G>T (NM_001276504.2).
Identifiers: ClinVar variation 438434 (VCV000438434.10), dbSNP rs1306475361, ClinGen allele CA382617149.